The following is an entry in ClinVar:

NM_173546.3(KLHDC8B):c.619A>G (p.Ser207Gly)

Gene: KLHDC8B (kelch domain containing 8B; plus strand). Cytogenetic location: 3p21.31.
Variant type: single nucleotide variant.
Coding change: c.619A>G on transcript NM_173546.3 (MANE Select); coding-DNA position 619, A replaced by G.
Protein change: p.Ser207Gly; replaces serine 207 with glycine.
Molecular consequence: missense variant.
Genome position (GRCh38, 1-based): chr3:49,174,819, A>G. VCF-style: chr3-49174819-A-G. GRCh37 (hg19) VCF-style: chr3-49212252-A-G.
Other names: short protein forms S207G.
Identifiers: ClinVar variation 3288872 (VCV003288872.4).

ClinVar aggregate classification (germline): Uncertain significance. Review status: criteria provided, multiple submitters, no conflicts (2 of 4 stars). 3 submissions from 3 submitters: Uncertain significance (3). Last evaluated 2024-10-12.

Conditions:
Classic Hodgkin lymphoma (CHL). Also called: Hodgkin lymphoma. Identifiers: Orphanet 391, MedGen C0019829, MONDO:0009348, OMIM 236000, HP:0012189.

Submissions (3):

Labcorp Genetics (formerly Invitae), Labcorp
Classification: Uncertain significance. Last evaluated: 2024-10-12. Review status: criteria provided, single submitter. Criteria: Invitae Variant Classification Sherloc (09022015). Collection method: clinical testing. Allele origin: germline.
Comment: This sequence change replaces serine, which is neutral and polar, with glycine, which is neutral and non-polar, at codon 207 of the KLHDC8B protein (p.Ser207Gly). This variant is present in population databases (rs147796338, gnomAD 0.005%). This variant has not been reported in the literature in individuals affected with KLHDC8B-related conditions. An algorithm developed to predict the effect of missense changes on protein structure and function (PolyPhen-2) suggests that this variant is likely to be disruptive. In summary, the available evidence is currently insufficient to determine the role of this variant in disease. Therefore, it has been classified as a Variant of Uncertain Significance.

Ambry Genetics
Classification: Uncertain significance. Last evaluated: 2024-03-26. Review status: criteria provided, single submitter. Criteria: Ambry Variant Classification Scheme 2023. Collection method: clinical testing. Allele origin: germline.

Department of Pathology and Laboratory Medicine, Sinai Health System
Classification: Uncertain significance for Classic Hodgkin lymphoma. Last evaluated: 2022-11-07. Review status: criteria provided, single submitter. Criteria: ACMG Guidelines, 2015. Collection method: research. Allele origin: germline.